The following is an entry in ClinVar:

ClinVar aggregate classification (germline): Conflicting classifications of pathogenicity. Review status: criteria provided, conflicting classifications (1 of 4 stars). 7 submissions from 7 submitters: Uncertain significance (1); Benign (1); Likely benign (3). 2 of the submissions do not count toward it. Last evaluated 2026-06-09.

Conditions:
PKD1-related disorder. Also called: PKD1-related condition.

Allele frequency attached by ClinVar (database versions not stated): ExAC 0.00044; gnomAD 0.00015 and 0.00016; gnomAD exomes 0.00015 and 0.00032; TOPMed 0.00020; ESP Exome Variant Server 0.00023.
gnomAD v4.1: 241 of 1,611,008 alleles (0.015%); highest among the groups gnomAD compares: Middle Eastern, 0.16%; no homozygotes.

Submissions (7):

Women's Health and Genetics/Laboratory Corporation of America, LabCorp
Classification: Likely benign. Last evaluated: 2026-06-09. Review status: criteria provided, single submitter. Criteria: LabCorp Variant Classification Summary - May 2015. Collection method: clinical testing. Allele origin: germline.

Blueprint Genetics
Classification: Likely benign. Last evaluated: 2024-11-07. Review status: criteria provided, single submitter. Criteria: ACMG Guidelines, 2015. Collection method: clinical testing. Allele origin: germline.

CeGaT Center for Human Genetics Tuebingen
Classification: Likely benign. Last evaluated: 2024-11-01. Review status: criteria provided, single submitter. Criteria: CeGaT Center For Human Genetics Tuebingen Variant Classification Criteria Version 2. Collection method: clinical testing. Allele origin: germline. Affected: yes. Observed: 2 variant alleles.
Comment: PKD1: BP4, BP7

GeneDx
Classification: Uncertain significance. Last evaluated: 2024-02-06. Review status: criteria provided, single submitter. Criteria: GeneDx Variant Classification Process June 2021. Collection method: clinical testing. Allele origin: germline. Affected: yes.
Comment: In silico analysis suggests this variant may impact gene splicing. In the absence of RNA/functional studies, the actual effect of this sequence change is unknown.; Has not been previously published as pathogenic or benign to our knowledge

Athena Diagnostics
Classification: Benign. Last evaluated: 2016-12-30. Review status: criteria provided, single submitter. Criteria: Athena Diagnostics Criteria. Collection method: clinical testing. Allele origin: germline.

Genetic Services Laboratory, University of Chicago
Classification: Likely benign. Last evaluated: 2022-05-27. Review status: no assertion criteria provided. Collection method: clinical testing. Allele origin: germline. Affected: no. Not counted in ClinVar's aggregate classification.

PreventionGenetics, part of Exact Sciences
Classification: Likely benign for PKD1-related condition. Last evaluated: 2019-12-16. Review status: no assertion criteria provided. Collection method: clinical testing. Allele origin: germline. Not counted in ClinVar's aggregate classification.
Comment: This variant is classified as likely benign based on ACMG/AMP sequence variant interpretation guidelines (Richards et al. 2015 PMID: 25741868, with internal and published modifications).

NM_001009944.3(PKD1):c.9009G>A (p.Ala3003=)

Gene: PKD1 (polycystin 1, transient receptor potential channel interacting; minus strand). Cytogenetic location: 16p13.3.
Variant type: single nucleotide variant.
Coding change: c.9009G>A on transcript NM_001009944.3 (MANE Select); coding-DNA position 9009, G replaced by A.
Protein change: p.Ala3003=; no amino-acid change (alanine 3003 retained).
Molecular consequence: synonymous variant.
Genome position (GRCh38, 1-based): chr16:2,102,573, C>T on the plus strand (G>A on the coding strand, the complement: PKD1 is on the minus strand). VCF-style: chr16-2102573-C-T. GRCh37 (hg19) VCF-style: chr16-2152574-C-T.
Other names: c.9009G>A, p.Ala3003= (NM_000296.4).
Identifiers: ClinVar variation 448024 (VCV000448024.32), dbSNP rs374619113, ClinGen allele CA7830221.
Genomic context (GRCh38, chr16:2,102,573, plus strand): 5'-CATGTCCTCCTCGCTGAAGTACTGGCACAGGGACGTGTACAGGCCCACGGACACCTGCAG[C>T]GCCGACCAGCGGAAGTGGCTGGAGAGGTTCAGATGGTAACTCCCCGCTGGGTCTCTGCTC-3'
Protein context (NP_001009944.3, residues 2993-3013): LNLSSHFRWS[Ala3003=]LQVSVGLYTS